The following is an entry in ClinVar:

ClinVar aggregate classification (germline): Uncertain significance. Review status: criteria provided, multiple submitters, no conflicts (2 of 4 stars). 2 submissions from 2 submitters: Uncertain significance (2). Last evaluated 2025-09-05.

Conditions:
Inborn genetic diseases. Identifiers: MedGen C0950123, MeSH D030342.

Allele frequency attached by ClinVar (database versions not stated): gnomAD exomes below 0.00001.
gnomAD v4.1: 3 of 1,613,940 alleles (0.00019%); highest among the groups gnomAD compares: Non-Finnish European, 0.00017%; no homozygotes.

Submissions (2):

Labcorp Genetics (formerly Invitae), Labcorp
Classification: Uncertain significance. Last evaluated: 2025-09-05. Review status: criteria provided, single submitter. Criteria: Invitae Variant Classification Sherloc (09022015). Collection method: clinical testing. Allele origin: germline.
Comment: This sequence change replaces methionine, which is neutral and non-polar, with valine, which is neutral and non-polar, at codon 2410 of the ATR protein (p.Met2410Val). This variant is not present in population databases (gnomAD no frequency). This variant has not been reported in the literature in individuals affected with ATR-related conditions. ClinVar contains an entry for this variant (Variation ID: 1757786). An algorithm developed to predict the effect of missense changes on protein structure and function (PolyPhen-2) suggests that this variant is likely to be tolerated. In summary, the available evidence is currently insufficient to determine the role of this variant in disease. Therefore, it has been classified as a Variant of Uncertain Significance.

Ambry Genetics
Classification: Uncertain significance for Inborn genetic diseases. Last evaluated: 2024-08-19. Review status: criteria provided, single submitter. Criteria: Ambry Variant Classification Scheme 2023. Collection method: clinical testing. Allele origin: germline.
Comment: The p.M2410V variant (also known as c.7228A>G), located in coding exon 43 of the ATR gene, results from an A to G substitution at nucleotide position 7228. The methionine at codon 2410 is replaced by valine, an amino acid with highly similar properties. This amino acid position is conserved. In addition, this alteration is predicted to be tolerated by in silico analysis. Since supporting evidence is limited at this time, the clinical significance of this alteration remains unclear.

NM_001184.4(ATR):c.7228A>G (p.Met2410Val)

Gene: ATR (ATR checkpoint kinase; minus strand). Cytogenetic location: 3q23.
Variant type: single nucleotide variant.
Coding change: c.7228A>G on transcript NM_001184.4 (MANE Select); coding-DNA position 7228, A replaced by G.
Protein change: p.Met2410Val; replaces methionine 2410 with valine.
Molecular consequence: missense variant.
Genome position (GRCh38, 1-based): chr3:142,459,348, T>C on the plus strand (A>G on the coding strand, the complement: ATR is on the minus strand). VCF-style: chr3-142459348-T-C. GRCh37 (hg19) VCF-style: chr3-142178190-T-C.
Other names: c.7036A>G, p.Met2346Val (NM_001354579.2); short protein forms M2410V, M2346V.
Identifiers: ClinVar variation 1757786 (VCV001757786.4), dbSNP rs2108261913, ClinGen allele CA354798017.
Genomic context (GRCh38, chr3:142,459,348, plus strand): 5'-GCAGGAGAAATTCTCGGAATACTTTGAGTTTTTCAGATAAAGCTGCTGACTTTGGTAGCA[T>C]ACACTGGCGAAGTTCTTTTCCTGTCATATACACTCCTGCAAGGAAGAGTGATATCCATTA-3'
Protein context (NP_001175.2, residues 2400-2420): YMTGKELRQC[Met2410Val]LPKSAALSEK